The following is an entry in ClinVar:

ClinVar aggregate classification (germline): Likely benign. Review status: criteria provided, multiple submitters, no conflicts (2 of 4 stars). 3 submissions from 3 submitters: Likely benign (3). Last evaluated 2026-06-01.

Conditions:
PRPF8-related disorder. Also called: PRPF8-related condition.

Allele frequency attached by ClinVar (database versions not stated): gnomAD exomes below 0.00001 and 0.00001; TOPMed below 0.00001; gnomAD 0.00001; ExAC 0.00002.

Submissions (3):

PreventionGenetics, part of Exact Sciences
Classification: Likely benign for PRPF8-related condition. Last evaluated: 2026-06-01. Review status: criteria provided, single submitter. Criteria: ACMG Guidelines, 2015. Collection method: clinical testing. Allele origin: germline.
Comment: This variant is classified as likely benign based on ACMG/AMP sequence variant interpretation guidelines (Richards et al. 2015 PMID: 25741868, with internal and published modifications).

Labcorp Genetics (formerly Invitae), Labcorp
Classification: Likely benign. Last evaluated: 2022-11-24. Review status: criteria provided, single submitter. Criteria: Invitae Variant Classification Sherloc (09022015). Collection method: clinical testing. Allele origin: germline.

Blueprint Genetics
Classification: Likely benign. Last evaluated: 2021-09-18. Review status: criteria provided, single submitter. Criteria: ACMG Guidelines, 2015. Collection method: clinical testing. Allele origin: germline.

NM_006445.4(PRPF8):c.3267C>T (p.Cys1089=)

Gene: PRPF8 (pre-mRNA processing factor 8; minus strand). Cytogenetic location: 17p13.3.
Variant type: single nucleotide variant.
Coding change: c.3267C>T on transcript NM_006445.4 (MANE Select); coding-DNA position 3267, C replaced by T.
Protein change: p.Cys1089=; no amino-acid change (cysteine 1089 retained).
Molecular consequence: synonymous variant.
Genome position (GRCh38, 1-based): chr17:1,674,474, G>A on the plus strand (C>T on the coding strand, the complement: PRPF8 is on the minus strand). VCF-style: chr17-1674474-G-A. GRCh37 (hg19) VCF-style: chr17-1577768-G-A.
Identifiers: ClinVar variation 796904 (VCV000796904.10), dbSNP rs749987359, ClinGen allele CA8271939.